The following is an entry in ClinVar:

ClinVar aggregate classification (germline): Benign (1 of 4 stars; one submission).

Allele frequency attached by ClinVar (database versions not stated): gnomAD exomes 0.14248; ExAC 0.17045; gnomAD 0.24394; 1000 Genomes Project 30x 0.25578.

Submission:

Laboratory for Molecular Medicine, Mass General Brigham Personalized Medicine
Classification: Benign. Last evaluated: 2016-03-28. Review status: criteria provided, single submitter. Criteria: LMM Criteria. Collection method: clinical testing. Allele origin: germline.
Comment: Variant identified in a genome or exome case(s) and assessed due to predicted null impact of the variant or pathogenic assertions in the literature or databases. Disclaimer: This variant has not undergone full assessment. The following are preliminary notes: Frequency

NM_001832.4(CLPS):c.84+412C>T

Gene: CLPS (colipase; minus strand). Cytogenetic location: 6p21.31.
Variant type: single nucleotide variant.
Coding change: c.84+412C>T on transcript NM_001832.4 (MANE Select); 412 bases into the intron after coding-DNA position 84, C replaced by T.
Molecular consequence: intron variant.
Genome position (GRCh38, 1-based): chr6:35,796,793, G>A on the plus strand (C>T on the coding strand, the complement: CLPS is on the minus strand). VCF-style: chr6-35796793-G-A. GRCh37 (hg19) VCF-style: chr6-35764570-G-A.
Other names: c.84+412C>T (NM_001252598.2); c.42+16C>T (NM_001252597.2).
Identifiers: ClinVar variation 402546 (VCV000402546.4), dbSNP rs2766595, ClinGen allele CA3774240.